The following is an entry in ClinVar:

ClinVar aggregate classification (germline): Uncertain significance (1 of 4 stars; one submission).

Submission:

Labcorp Genetics (formerly Invitae), Labcorp
Classification: Uncertain significance. Last evaluated: 2022-02-22. Review status: criteria provided, single submitter. Criteria: Invitae Variant Classification Sherloc (09022015). Collection method: clinical testing. Allele origin: germline.
Comment: This variant has not been reported in the literature in individuals affected with MCM3AP-related conditions. Algorithms developed to predict the effect of missense changes on protein structure and function output the following: SIFT: "Tolerated"; PolyPhen-2: "Benign"; Align-GVGD: "Class C0". The glutamic acid amino acid residue is found in multiple mammalian species, which suggests that this missense change does not adversely affect protein function. In summary, the available evidence is currently insufficient to determine the role of this variant in disease. Therefore, it has been classified as a Variant of Uncertain Significance. This variant is not present in population databases (gnomAD no frequency). This sequence change replaces aspartic acid, which is acidic and polar, with glutamic acid, which is acidic and polar, at codon 1468 of the MCM3AP protein (p.Asp1468Glu).

NM_003906.5(MCM3AP):c.4404C>A (p.Asp1468Glu)

Genes: MCM3AP (minichromosome maintenance complex component 3 associated protein; minus strand), MCM3AP-AS1 (MCM3AP antisense RNA 1; plus strand). Cytogenetic location: 21q22.3.
Variant type: single nucleotide variant.
Coding change: c.4404C>A on transcript NM_003906.5 (MANE Select); coding-DNA position 4404, C replaced by A.
Protein change: p.Asp1468Glu; replaces aspartic acid 1468 with glutamic acid.
Molecular consequence: missense variant.
Genome position (GRCh38, 1-based): chr21:46,246,773, G>T on the plus strand (C>A on the coding strand, the complement: MCM3AP is on the minus strand). VCF-style: chr21-46246773-G-T. GRCh37 (hg19) VCF-style: chr21-47666687-G-T.
Other names: short protein forms D1468E.
Identifiers: ClinVar variation 2094985 (VCV002094985.4), dbSNP rs2123834370, ClinGen allele CA410545410.